The following is an entry in ClinVar:

ClinVar aggregate classification (germline): Benign. Review status: criteria provided, multiple submitters, no conflicts (2 of 4 stars). 2 submissions from 2 submitters: Benign (2). Last evaluated 2018-06-16.

Allele frequency attached by ClinVar (database versions not stated): 1000 Genomes Project 0.03295; 1000 Genomes Project 30x 0.03560; TOPMed 0.03631.
gnomAD v4.1: 7,908 of 853,178 alleles (0.93%); highest among the groups gnomAD compares: African/African-American, 11%; 405 homozygotes.

Submissions (2):

GeneDx
Classification: Benign. Last evaluated: 2018-06-16. Review status: criteria provided, single submitter. Criteria: GeneDx Variant Classification (06012015). Collection method: clinical testing. Allele origin: germline. Affected: yes.
Comment: This variant is considered likely benign or benign based on one or more of the following criteria: it is a conservative change, it occurs at a poorly conserved position in the protein, it is predicted to be benign by multiple in silico algorithms, and/or has population frequency not consistent with disease.

Breakthrough Genomics
Classification: Benign. Review status: criteria provided, single submitter. Criteria: ACMG Guidelines, 2015. Collection method: not provided. Allele origin: germline. Inheritance: Autosomal recessive inheritance. Affected: yes.

NM_002936.6(RNASEH1):c.244+83C>G

Gene: RNASEH1 (ribonuclease H1; minus strand). Cytogenetic location: 2p25.3.
Variant type: single nucleotide variant.
Coding change: c.244+83C>G on transcript NM_002936.6 (MANE Select); 83 bases into the intron after coding-DNA position 244, C replaced by G.
Molecular consequence: intron variant.
Genome position (GRCh38, 1-based): chr2:3,556,706, G>C on the plus strand (C>G on the coding strand, the complement: RNASEH1 is on the minus strand). VCF-style: chr2-3556706-G-C. GRCh37 (hg19) VCF-style: chr2-3604296-G-C.
Other names: c.244+83C>G (NM_001378272.1, NM_001378273.1, NM_001378271.1); c.166+83C>G (NM_001286834.3); c.-108+83C>G (NM_001286837.3).
Identifiers: ClinVar variation 673769 (VCV000673769.2), dbSNP rs73910592, ClinGen allele CA41530614.